The following is an entry in ClinVar:

ClinVar aggregate classification (germline): Pathogenic. Review status: no assertion criteria provided (0 of 4 stars). 2 submissions from 2 submitters: Pathogenic (2). Last evaluated 2019-10-14.

Conditions:
Weiss-Kruszka syndrome. Also called: Metopic ridging-ptosis-facial dysmorphism syndrome. Identifiers: Orphanet 502430, MedGen C5568107, MONDO:0032836, OMIM 618619.
Intellectual disability, autosomal dominant. Identifiers: MedGen CN240835, MONDO:0100172.
Craniosynostosis syndrome. Also called: Craniosynostosis. Identifiers: Orphanet 1531, MedGen C0010278, MeSH D003398, MONDO:0015469, HP:0001363.

Submissions (2):

OMIM
Classification: Pathogenic for WEISS-KRUSZKA SYNDROME. Last evaluated: 2019-10-14. Review status: no assertion criteria provided. Collection method: literature only. Allele origin: germline.

Muenke lab, National Institutes of Health
Classification: Pathogenic for Intellectual disability, autosomal dominant; Craniosynostosis syndrome. Last evaluated: 2017-01-25. Review status: no assertion criteria provided. Collection method: research. Allele origin: paternal. Inheritance: Autosomal dominant inheritance. Affected: yes. Observed: 1 variant allele, 1 heterozygote.
Comment: Haploinsufficiency of ZNF462 was found in 4 individuals with overlapping phenotypes.

Literature cited by the submitters: PubMed 28513610 (cited by OMIM).

NM_021224.6(ZNF462):c.3787C>T (p.Arg1263Ter)

Gene: ZNF462 (zinc finger protein 462; plus strand). Cytogenetic location: 9q31.2.
Variant type: single nucleotide variant.
Coding change: c.3787C>T on transcript NM_021224.6 (MANE Select); coding-DNA position 3787, C replaced by T.
Protein change: p.Arg1263Ter; replaces arginine 1263 with a stop codon.
Molecular consequence: nonsense. On other transcripts: intron variant (1).
Genome position (GRCh38, 1-based): chr9:106,927,699, C>T. VCF-style: chr9-106927699-C-T. GRCh37 (hg19) VCF-style: chr9-109689980-C-T.
Other names: c.3252+535C>T (NM_001347997.2); short protein forms R1263*.
Identifiers: ClinVar variation 402116 (VCV000402116.4), dbSNP rs1060499549, ClinGen allele CA16609491.